The following is an entry in ClinVar:

NM_000147.5(FUCA1):c.658A>C (p.Asn220His)

Gene: FUCA1 (alpha-L-fucosidase 1; minus strand). Cytogenetic location: 1p36.11.
Variant type: single nucleotide variant.
Coding change: c.658A>C on transcript NM_000147.5 (MANE Select); coding-DNA position 658, A replaced by C.
Protein change: p.Asn220His; replaces asparagine 220 with histidine.
Molecular consequence: missense variant.
Genome position (GRCh38, 1-based): chr1:23,863,138, T>G on the plus strand (A>C on the coding strand, the complement: FUCA1 is on the minus strand). VCF-style: chr1-23863138-T-G. GRCh37 (hg19) VCF-style: chr1-24189628-T-G.
Other names: short protein forms N220H.
Identifiers: ClinVar variation 1374257 (VCV001374257.5), dbSNP rs755082816, ClinGen allele CA686492.

ClinVar aggregate classification (germline): Uncertain significance (1 of 4 stars; one submission).

Conditions:
Fucosidosis. Also called: ALPHA-L-FUCOSIDASE DEFICIENCY. Identifiers: Orphanet 349, MedGen C0016788, MONDO:0009254, OMIM 230000.

Allele frequency attached by ClinVar (database versions not stated): gnomAD exomes below 0.00001; ExAC 0.00001; gnomAD 0.00001; TOPMed 0.00002.
gnomAD v4.1: 5 of 1,613,804 alleles (0.00031%); highest among the groups gnomAD compares: African/African-American, 0.0013%; no homozygotes.

Submission:

Labcorp Genetics (formerly Invitae), Labcorp
Classification: Uncertain significance for Fucosidosis. Last evaluated: 2021-08-28. Review status: criteria provided, single submitter. Criteria: Invitae Variant Classification Sherloc (09022015). Collection method: clinical testing. Allele origin: germline.
Comment: This sequence change replaces asparagine with histidine at codon 220 of the FUCA1 protein (p.Asn220His). The asparagine residue is moderately conserved and there is a small physicochemical difference between asparagine and histidine. This variant is present in population databases (rs755082816, ExAC 0.01%). This variant has not been reported in the literature in individuals affected with FUCA1-related conditions. Algorithms developed to predict the effect of missense changes on protein structure and function (SIFT, PolyPhen-2, Align-GVGD) all suggest that this variant is likely to be tolerated. In summary, the available evidence is currently insufficient to determine the role of this variant in disease. Therefore, it has been classified as a Variant of Uncertain Significance.